The following is an entry in ClinVar:

ClinVar aggregate classification (germline): Conflicting classifications of pathogenicity. Review status: criteria provided, conflicting classifications (1 of 4 stars). 8 submissions from 8 submitters: Uncertain significance (2); Benign (3); Likely benign (2). 1 of the submissions does not count toward it. Last evaluated 2026-02-01.

Conditions:
Kufor-Rakeb syndrome (KRS). Also called: PARKINSON DISEASE 9, AUTOSOMAL RECESSIVE, JUVENILE-ONSET. Identifiers: Orphanet 306674, Orphanet 314632, MedGen C1847640, MONDO:0011706, OMIM 606693.
ATP13A2-related disorder. Also called: ATP13A2-related condition; ATP13A2-related disorders.
Autosomal recessive spastic paraplegia type 78. Identifiers: Orphanet 513436, MedGen C5567893, MONDO:0014975, OMIM 617225.

Allele frequency attached by ClinVar (database versions not stated): ESP Exome Variant Server 0.00015; gnomAD exomes 0.00027 and 0.00105; gnomAD 0.00051 and 0.00053; TOPMed 0.00069; ExAC 0.00077; 1000 Genomes Project 30x 0.00078; 1000 Genomes Project 0.00080.
gnomAD v4.1: 487 of 1,611,456 alleles (0.03%); highest among the groups gnomAD compares: Admixed American, 0.56%; no homozygotes.

Submissions (8):

Labcorp Genetics (formerly Invitae), Labcorp
Classification: Benign for Kufor-Rakeb syndrome; Autosomal recessive spastic paraplegia type 78. Last evaluated: 2026-02-01. Review status: criteria provided, single submitter. Criteria: Invitae Variant Classification Sherloc (09022015). Collection method: clinical testing. Allele origin: germline.

Athena Diagnostics
Classification: Benign. Last evaluated: 2025-01-07. Review status: criteria provided, single submitter. Criteria: Athena Diagnostics Criteria. Collection method: clinical testing. Allele origin: unknown.
Comment: The frequency of this variant in the general population is higher than would generally be expected for pathogenic variants in this gene.

Blueprint Genetics
Classification: Likely benign. Last evaluated: 2024-10-30. Review status: criteria provided, single submitter. Criteria: ACMG Guidelines, 2015. Collection method: clinical testing. Allele origin: germline.

Women's Health and Genetics/Laboratory Corporation of America, LabCorp
Classification: Benign. Last evaluated: 2023-10-16. Review status: criteria provided, single submitter. Criteria: LabCorp Variant Classification Summary - May 2015. Collection method: clinical testing. Allele origin: germline.
Comment: Variant summary: ATP13A2 c.3405+9C>T alters a non-conserved nucleotide located at a position not widely known to affect splicing. Consensus agreement among computation tools predict no significant impact on normal splicing. However, these predictions have yet to be confirmed by functional studies. The variant allele was found at a frequency of 0.0011 in 242844 control chromosomes, predominantly at a frequency of 0.0068 within the Latino subpopulation in the gnomAD database. The observed variant frequency within Latino control individuals in the gnomAD database is approximately 36-fold of the estimated maximal expected allele frequency for a pathogenic variant in ATP13A2 causing Neurodegeneration With Brain Iron Accumulation phenotype (0.00019), strongly suggesting that the variant is a benign polymorphism found primarily in populations of Latino origin. To our knowledge, no occurrence of c.3405+9C>T in individuals affected with Neurodegeneration With Brain Iron Accumulation and no experimental evidence demonstrating its impact on protein function have been reported. Four submitters have cited clinical-significance assessments for this variant to ClinVar after 2014, and classified it as benign (n=1), likely benign (n=1), or uncertain significance (n=2). Based on the evidence outlined above, the variant was classified as benign.

GeneDx
Classification: Likely benign. Last evaluated: 2020-10-25. Review status: criteria provided, single submitter. Criteria: GeneDx Variant Classification Process June 2021. Collection method: clinical testing. Allele origin: germline. Affected: yes.

Illumina Laboratory Services, Illumina
Classification: Uncertain significance for Kufor-Rakeb syndrome. Last evaluated: 2017-04-27. Review status: criteria provided, single submitter. Criteria: ICSL Variant Classification Criteria 13 December 2019. Collection method: clinical testing. Allele origin: germline.

Center for Genomics, Ann and Robert H. Lurie Children's Hospital of Chicago
Classification: Uncertain significance for Autosomal recessive spastic paraplegia type 78; Kufor-Rakeb syndrome. Review status: criteria provided, single submitter. Criteria: ACMG Guidelines, 2015. Collection method: clinical testing. Allele origin: germline.
Comment: ATP13A2 NM_022089.3 exon 28 c.3405+9C>T: This variant has not been reported in the literature but is present in 0.6% (232/34286) of Latino alleles in the Genome Aggregation Database. Evolutionary conservation and computational predictive tools for this variant are limited or unavailable. This variant is an intronic variant with no predicted change in the amino acid sequence but may have an unknown effect on splicing. Further studies are needed to understand its impact. In summary, data on this variant is insufficient for disease classification. Therefore, the clinical significance of this variant is uncertain.

PreventionGenetics, part of Exact Sciences
Classification: Likely benign for ATP13A2-related condition. Last evaluated: 2020-04-01. Review status: no assertion criteria provided. Collection method: clinical testing. Allele origin: germline. Not counted in ClinVar's aggregate classification.
Comment: This variant is classified as likely benign based on ACMG/AMP sequence variant interpretation guidelines (Richards et al. 2015 PMID: 25741868, with internal and published modifications).

NM_022089.4(ATP13A2):c.3405+9C>T

Gene: ATP13A2 (ATPase cation transporting 13A2; minus strand). Cytogenetic location: 1p36.13.
Variant type: single nucleotide variant.
Coding change: c.3405+9C>T on transcript NM_022089.4 (MANE Select); 9 bases into the intron after coding-DNA position 3405, C replaced by T.
Molecular consequence: intron variant.
Genome position (GRCh38, 1-based): chr1:16,986,454, G>A on the plus strand (C>T on the coding strand, the complement: ATP13A2 is on the minus strand). VCF-style: chr1-16986454-G-A. GRCh37 (hg19) VCF-style: chr1-17312949-G-A.
Other names: c.3104-96C>T (NM_001141974.3); c.3390+9C>T (NM_001141973.3).
Identifiers: ClinVar variation 626062 (VCV000626062.24), dbSNP rs374766933, ClinGen allele CA636506.